The following is an entry in ClinVar:

ClinVar aggregate classification (germline): Uncertain significance. Review status: criteria provided, multiple submitters, no conflicts (2 of 4 stars). 2 submissions from 2 submitters: Uncertain significance (2). Last evaluated 2024-01-10.

Conditions:
Nephronophthisis 16 (NPHP16). Identifiers: Orphanet 655, MedGen C3809320, MONDO:0014158, OMIM 615382.

Allele frequency attached by ClinVar (database versions not stated): gnomAD exomes 0.00001; ExAC 0.00004; TOPMed 0.00012; gnomAD 0.00013; 1000 Genomes Project 0.00060; 1000 Genomes Project 30x 0.00094.
gnomAD v4.1: 33 of 1,613,448 alleles (0.002%); highest among the groups gnomAD compares: African/African-American, 0.029%; no homozygotes.

Submissions (2):

Fulgent Genetics
Classification: Uncertain significance for Nephronophthisis 16. Last evaluated: 2024-01-10. Review status: criteria provided, single submitter. Criteria: ACMG Guidelines, 2015. Collection method: clinical testing. Allele origin: germline.

GeneDx
Classification: Uncertain significance. Last evaluated: 2022-10-03. Review status: criteria provided, single submitter. Criteria: GeneDx Variant Classification Process June 2021. Collection method: clinical testing. Allele origin: germline. Affected: yes.
Comment: In silico analysis supports that this missense variant has a deleterious effect on protein structure/function; Has not been previously published as pathogenic or benign to our knowledge

NM_173551.5(ANKS6):c.431G>C (p.Gly144Ala)

Gene: ANKS6 (ankyrin repeat and sterile alpha motif domain containing 6; minus strand). Cytogenetic location: 9q22.33.
Variant type: single nucleotide variant.
Coding change: c.431G>C on transcript NM_173551.5 (MANE Select); coding-DNA position 431, G replaced by C.
Protein change: p.Gly144Ala; replaces glycine 144 with alanine.
Molecular consequence: missense variant.
Genome position (GRCh38, 1-based): chr9:98,790,535, C>G on the plus strand (G>C on the coding strand, the complement: ANKS6 is on the minus strand). VCF-style: chr9-98790535-C-G. GRCh37 (hg19) VCF-style: chr9-101552817-C-G.
Other names: short protein forms G144A.
Identifiers: ClinVar variation 2446563 (VCV002446563.2), dbSNP rs561600690, ClinGen allele CA5153851.